The following is an entry in ClinVar:

NM_000368.5(TSC1):c.1165G>T (p.Gly389Ter)

Gene: TSC1 (TSC complex subunit 1; minus strand). Cytogenetic location: 9q34.13.
Variant type: single nucleotide variant.
Coding change: c.1165G>T on transcript NM_000368.5 (MANE Select); coding-DNA position 1165, G replaced by T.
Protein change: p.Gly389Ter; replaces glycine 389 with a stop codon.
Molecular consequence: nonsense.
Genome position (GRCh38, 1-based): chr9:132,910,669, C>A on the plus strand (G>T on the coding strand, the complement: TSC1 is on the minus strand). VCF-style: chr9-132910669-C-A. GRCh37 (hg19) VCF-style: chr9-135786056-C-A.
Other names: c.1162G>T, p.Gly388Ter (NM_001162426.2); c.1012G>T, p.Gly338Ter (NM_001162427.2); c.802G>T, p.Gly268Ter (NM_001362177.2); short protein forms G389*, G268*, G388*, G338*.
Identifiers: ClinVar variation 280293 (VCV000280293.3), dbSNP rs886041524, ClinGen allele CA10603158.

ClinVar aggregate classification (germline): Pathogenic/Likely pathogenic. Review status: criteria provided, multiple submitters, no conflicts (2 of 4 stars). 2 submissions from 2 submitters: Pathogenic (1); Likely pathogenic (1). Last evaluated 2024-11-18.

Conditions:
TSC1-related disorder. Also called: TSC1-related condition.

Submissions (2):

PreventionGenetics, part of Exact Sciences
Classification: Likely pathogenic for TSC1-related condition. Last evaluated: 2024-11-18. Review status: criteria provided, single submitter. Criteria: ACMG Guidelines, 2015. Collection method: clinical testing. Allele origin: germline.
Comment: The TSC1 c.1165G>T variant is predicted to result in premature protein termination (p.Gly389*). This variant was reported in a patient with medulloblastoma (Lee et al. 2020. PubMed ID: 32608158). This variant has not been reported in a large population database (gnomAD), indicating this variant is rare. Nonsense variants in TSC1 are expected to be pathogenic. This variant is interpreted as likely pathogenic.

GeneDx
Classification: Pathogenic. Last evaluated: 2016-02-04. Review status: criteria provided, single submitter. Criteria: GeneDx Variant Classification (06012015). Collection method: clinical testing. Allele origin: germline. Affected: yes.
Comment: The G389X nonsense variant in the TSC1 gene is predicted to cause loss of normal protein function either through protein truncation or nonsense-mediated mRNA decay. It was not observed in approximately 6,500 individuals of European and African American ancestry in the NHLBI Exome Sequencing Project, indicating it is not a common benign variant in these populations. Although this pathogenic variant has not been reported previously to our knowledge, other nonsense variants downstream of this position have been reported in the TSC1 gene in association with tuberous sclerosis (TSC1 LOVD; Stenson et al., 2014).